The following is an entry in ClinVar:

ClinVar aggregate classification (germline): Benign. Review status: criteria provided, single submitter (1 of 4 stars). 2 submissions from 2 submitters: Benign (1). 1 of the submissions does not count toward it. Last evaluated 2025-06-22.

Conditions:
Chromosome 2q32-q33 deletion syndrome (GLASS). Also called: 2q33.1 deletion syndrome; Glass syndrome. Identifiers: Orphanet 251019, MedGen C2676739, MONDO:0012864, OMIM 612313.
SATB2-related disorder. Also called: SATB2-related condition.

Allele frequency attached by ClinVar (database versions not stated): TOPMed 0.00001; gnomAD exomes 0.00002.
gnomAD v4.1: 8 of 1,614,156 alleles (0.0005%); highest among the groups gnomAD compares: Middle Eastern, 0.016%; no homozygotes.

Submissions (2):

Labcorp Genetics (formerly Invitae), Labcorp
Classification: Benign for Chromosome 2q32-q33 deletion syndrome. Last evaluated: 2025-06-22. Review status: criteria provided, single submitter. Criteria: Invitae Variant Classification Sherloc (09022015). Collection method: clinical testing. Allele origin: germline.

PreventionGenetics, part of Exact Sciences
Classification: Uncertain significance for SATB2-related condition. Last evaluated: 2024-08-07. Review status: no assertion criteria provided. Collection method: clinical testing. Allele origin: germline. Not counted in ClinVar's aggregate classification.
Comment: The SATB2 c.2048C>T variant is predicted to result in the amino acid substitution p.Ala683Val. To our knowledge, this variant has not been reported in the literature. This variant is reported in 0.0087% of alleles in individuals of Latino descent in gnomAD. At this time, the clinical significance of this variant is uncertain due to the absence of conclusive functional and genetic evidence.

NM_001172509.2(SATB2):c.2048C>T (p.Ala683Val)

Genes: SATB2 (SATB homeobox 2; minus strand), LOC126806462 (MED14-independent group 3 enhancer GRCh37_chr2:200136608-200137807; plus strand). Cytogenetic location: 2q33.1.
Variant type: single nucleotide variant.
Coding change: c.2048C>T on transcript NM_001172509.2 (MANE Select); coding-DNA position 2048, C replaced by T.
Protein change: p.Ala683Val; replaces alanine 683 with valine.
Molecular consequence: missense variant.
Genome position (GRCh38, 1-based): chr2:199,272,365, G>A on the plus strand (C>T on the coding strand, the complement: SATB2 is on the minus strand). VCF-style: chr2-199272365-G-A. GRCh37 (hg19) VCF-style: chr2-200137088-G-A.
Other names: c.2048C>T, p.Ala683Val (NM_001172517.1, NM_015265.4); c.2048C>T (NM_015265.3); short protein forms A683V.
Identifiers: ClinVar variation 1019234 (VCV001019234.11), dbSNP rs1451743452, ClinGen allele CA350385389.